The following is an entry in ClinVar:

ClinVar aggregate classification (germline): Uncertain significance. Review status: criteria provided, multiple submitters, no conflicts (2 of 4 stars). 2 submissions from 2 submitters: Uncertain significance (2). Last evaluated 2023-09-18.

Conditions:
Arrhythmogenic right ventricular dysplasia 9 (ARVD9). Also called: Arrhythmogenic Right Ventricular Dysplasia/Cardiomyopathy 9; ARRHYTHMOGENIC RIGHT VENTRICULAR DYSPLASIA, FAMILIAL, 9. Identifiers: MedGen C1836906, MONDO:0012180, OMIM 609040.
Cardiovascular phenotype. Identifiers: MedGen CN230736.

Submissions (2):

Labcorp Genetics (formerly Invitae), Labcorp
Classification: Uncertain significance for Arrhythmogenic right ventricular dysplasia 9. Last evaluated: 2023-09-18. Review status: criteria provided, single submitter. Criteria: Invitae Variant Classification Sherloc (09022015). Collection method: clinical testing. Allele origin: germline.
Comment: This sequence change replaces serine, which is neutral and polar, with glycine, which is neutral and non-polar, at codon 744 of the PKP2 protein (p.Ser744Gly). This variant is not present in population databases (gnomAD no frequency). This variant has not been reported in the literature in individuals affected with PKP2-related conditions. ClinVar contains an entry for this variant (Variation ID: 1788098). An algorithm developed to predict the effect of missense changes on protein structure and function (PolyPhen-2) suggests that this variant is likely to be tolerated. In summary, the available evidence is currently insufficient to determine the role of this variant in disease. Therefore, it has been classified as a Variant of Uncertain Significance.

Ambry Genetics
Classification: Uncertain significance for Cardiovascular phenotype. Last evaluated: 2022-10-14. Review status: criteria provided, single submitter. Criteria: Ambry Variant Classification Scheme 2023. Collection method: clinical testing. Allele origin: germline.
Comment: The p.S744G variant (also known as c.2230A>G), located in coding exon 11 of the PKP2 gene, results from an A to G substitution at nucleotide position 2230. The serine at codon 744 is replaced by glycine, an amino acid with similar properties. This amino acid position is conserved. In addition, this alteration is predicted to be tolerated by in silico analysis. Since supporting evidence is limited at this time, the clinical significance of this alteration remains unclear.

NM_001005242.3(PKP2):c.2098A>G (p.Ser700Gly)

Gene: PKP2 (plakophilin 2; minus strand). Cytogenetic location: 12p11.21.
Variant type: single nucleotide variant.
Coding change: c.2098A>G on transcript NM_001005242.3 (MANE Select); coding-DNA position 2098, A replaced by G.
Protein change: p.Ser700Gly; replaces serine 700 with glycine.
Molecular consequence: missense variant.
Genome position (GRCh38, 1-based): chr12:32,802,472, T>C on the plus strand (A>G on the coding strand, the complement: PKP2 is on the minus strand). VCF-style: chr12-32802472-T-C. GRCh37 (hg19) VCF-style: chr12-32955406-T-C.
Other names: c.1933A>G, p.Ser645Gly (NM_001407156.1); c.1771A>G, p.Ser591Gly (NM_001407158.1, NM_001407159.1, NM_001407160.1); c.2230A>G, p.Ser744Gly (NM_004572.4); c.2098A>G, p.Ser700Gly (NM_001407155.1); short protein forms S591G, S744G, S645G, S700G.
Identifiers: ClinVar variation 1788098 (VCV001788098.5), dbSNP rs2541200671, ClinGen allele CA384359667.